The following is an entry in ClinVar:

NM_003392.7(WNT5A):c.1005C>T (p.Cys335=)

Gene: WNT5A (Wnt family member 5A; minus strand). Cytogenetic location: 3p14.3.
Variant type: single nucleotide variant.
Coding change: c.1005C>T on transcript NM_003392.7 (MANE Select); coding-DNA position 1005, C replaced by T.
Protein change: p.Cys335=; no amino-acid change (cysteine 335 retained).
Molecular consequence: synonymous variant.
Genome position (GRCh38, 1-based): chr3:55,470,230, G>A on the plus strand (C>T on the coding strand, the complement: WNT5A is on the minus strand). VCF-style: chr3-55470230-G-A. GRCh37 (hg19) VCF-style: chr3-55504258-G-A.
Other names: c.960C>T, p.Cys320= (NM_001256105.1, NM_001377271.1, NM_001377272.1).
Identifiers: ClinVar variation 1053536 (VCV001053536.2), dbSNP rs762576376, ClinGen allele CA2458923.
Genomic context (GRCh38, chr3:55,470,230, plus strand): 5'-GCAGCGCTCCGTCTGCACGGTCTTGAACTGGTCGTAGCCACGGCCGCAGCACATGAGCTC[G>A]CAGCCATCCATGCCCTCCGACGTCTTGTTGCACAGGCGGCCCTGCGTGCCCAGCGAGCCG-3'
Protein context (NP_003383.4, residues 325-345): CNKTSEGMDG[Cys335=]ELMCCGRGYD

ClinVar aggregate classification (germline): Uncertain significance. Review status: criteria provided, multiple submitters, no conflicts (2 of 4 stars). 2 submissions from 2 submitters: Uncertain significance (2). Last evaluated 2022-04-11.

Conditions:
Autosomal dominant Robinow syndrome 1. Also called: ACRAL DYSOSTOSIS WITH FACIAL AND GENITAL ABNORMALITIES; WNT5A-Related Robinow Syndrome, Autosomal Dominant; ROBINOW DWARFISM; Covesdem syndrome (formerly); Costovertebral segmentation defect with mesomelia (formerly); FETAL FACE SYNDROME. Identifiers: Orphanet 3107, Orphanet 97360, MedGen C4551475, MONDO:0024455, OMIM 180700.

Allele frequency attached by ClinVar (database versions not stated): gnomAD exomes 0.00001 and 0.00004; ExAC 0.00002; gnomAD 0.00002; TOPMed 0.00002.
gnomAD v4.1: 17 of 1,613,948 alleles (0.0011%); highest among the groups gnomAD compares: Admixed American, 0.022%; no homozygotes.

Submissions (2):

Fulgent Genetics
Classification: Uncertain significance for Autosomal dominant Robinow syndrome 1. Last evaluated: 2022-04-11. Review status: criteria provided, single submitter. Criteria: ACMG Guidelines, 2015. Collection method: clinical testing. Allele origin: unknown.

Labcorp Genetics (formerly Invitae), Labcorp
Classification: Uncertain significance. Last evaluated: 2020-02-05. Review status: criteria provided, single submitter. Criteria: Invitae Variant Classification Sherloc (09022015). Collection method: clinical testing. Allele origin: germline.
Comment: This sequence change affects codon 335of the WNT5A mRNA. It is a 'silent' change, meaning that it does not change the encoded amino acid sequence of the WNT5A protein. This variant is present in population databases (rs762576376, ExAC 0.03%). This variant has not been reported in the literature in individuals with WNT5A-related conditions. Algorithms developed to predict the effect of sequence changes on RNA splicing suggest that this variant may create or strengthen a splice site, but this prediction has not been confirmed by published transcriptional studies. In summary, the available evidence is currently insufficient to determine the role of this variant in disease. Therefore, it has been classified as a Variant of Uncertain Significance.